The following is an entry in ClinVar:

NM_001366385.1(CARD14):c.843G>A (p.Leu281=)

Gene: CARD14 (caspase recruitment domain family member 14; plus strand). Cytogenetic location: 17q25.3.
Variant type: single nucleotide variant.
Coding change: c.843G>A on transcript NM_001366385.1 (MANE Select); coding-DNA position 843, G replaced by A.
Protein change: p.Leu281=; no amino-acid change (leucine 281 retained).
Molecular consequence: synonymous variant. On other transcripts: non-coding transcript variant (1).
Genome position (GRCh38, 1-based): chr17:80,188,544, G>A. VCF-style: chr17-80188544-G-A. GRCh37 (hg19) VCF-style: chr17-78162343-G-A.
Other names: c.843G>A, p.Leu281= (NM_024110.4, NM_001257970.1); c.132G>A, p.Leu44= (NM_052819.3).
Identifiers: ClinVar variation 639077 (VCV000639077.9), dbSNP rs1332503520, ClinGen allele CA502178685.

ClinVar aggregate classification (germline): Uncertain significance (1 of 4 stars; one submission).

Conditions:
Pityriasis rubra pilaris (PRP). Also called: Pityriasis rubra pilaris--familial type. Identifiers: Orphanet 2897, MedGen C0032027, MONDO:0100017, OMIM 173200, MONDO:0008251.
Psoriasis 2. Identifiers: MedGen C1864497, MONDO:0011269, OMIM 602723.

Submission:

Labcorp Genetics (formerly Invitae), Labcorp
Classification: Uncertain significance for Pityriasis rubra pilaris; Psoriasis 2. Last evaluated: 2019-06-21. Review status: criteria provided, single submitter. Criteria: Invitae Variant Classification Sherloc (09022015). Collection method: clinical testing. Allele origin: germline.
Comment: Nucleotide substitutions within the consensus splice site are a relatively common cause of aberrant splicing (PMID: 17576681, 9536098). Algorithms developed to predict the effect of sequence changes on RNA splicing suggest that this variant may disrupt the consensus splice site, but this prediction has not been confirmed by published transcriptional studies. This sequence change affects codon 281 of the CARD14 mRNA. It is a 'silent' change, meaning that it does not change the encoded amino acid sequence of the CARD14 protein. This variant also falls at the last nucleotide of exon 5 of the CARD14 coding sequence, which is part of the consensus splice site for this exon. This variant is not present in population databases (ExAC no frequency). This variant has not been reported in the literature in individuals with CARD14-related disease. In summary, the available evidence is currently insufficient to determine the role of this variant in disease. Therefore, it has been classified as a Variant of Uncertain Significance.

Literature cited by the submitters: PubMed 17576681; PubMed 9536098.